The following is an entry in ClinVar:

NM_001130438.3(SPTAN1):c.364-3C>G

Gene: SPTAN1 (spectrin alpha, non-erythrocytic 1; plus strand). Cytogenetic location: 9q34.11.
Variant type: single nucleotide variant.
Coding change: c.364-3C>G on transcript NM_001130438.3 (MANE Select); 3 bases into the intron before coding-DNA position 364, C replaced by G.
Molecular consequence: intron variant.
Genome position (GRCh38, 1-based): chr9:128,574,672, C>G. VCF-style: chr9-128574672-C-G. GRCh37 (hg19) VCF-style: chr9-131336951-C-G.
Other names: c.400-3C>G (NM_001375318.1, NM_001375312.2); c.364-3C>G (NM_001375311.2, NM_001375314.2, NM_001375310.1 and 5 more transcripts).
Identifiers: ClinVar variation 930357 (VCV000930357.3), dbSNP rs1851102695, ClinGen allele CA1139661255.

ClinVar aggregate classification (germline): Uncertain significance (1 of 4 stars; one submission).

Conditions:
Developmental and epileptic encephalopathy, 5 (DEE5). Identifiers: Orphanet 3451, MedGen C3150731, MONDO:0013277, OMIM 613477.

Submission:

Centre for Mendelian Genomics, University Medical Centre Ljubljana
Classification: Uncertain significance for Developmental and epileptic encephalopathy, 5. Last evaluated: 2016-01-01. Review status: criteria provided, single submitter. Criteria: ACMG Guidelines, 2015. Collection method: clinical testing. Allele origin: unknown. Affected: yes.
Comment: This variant was classified as: Uncertain significance. The following ACMG criteria were applied in classifying this variant: PM2,PP3.